The following is an entry in ClinVar:

NM_001386298.1(CIC):c.3583C>T (p.Leu1195=)

Gene: CIC (capicua transcriptional repressor; plus strand). Cytogenetic location: 19q13.2.
Variant type: single nucleotide variant.
Coding change: c.3583C>T on transcript NM_001386298.1 (MANE Select); coding-DNA position 3583, C replaced by T.
Protein change: p.Leu1195=; no amino-acid change (leucine 1195 retained).
Molecular consequence: synonymous variant.
Genome position (GRCh38, 1-based): chr19:42,287,900, C>T. VCF-style: chr19-42287900-C-T. GRCh37 (hg19) VCF-style: chr19-42792052-C-T.
Other names: c.3583C>T, p.Leu1195= (NM_001304815.2, NM_001379480.1, NM_001379482.1 and 1 more transcripts); c.856C>T, p.Leu286= (NM_001379484.1, NM_001379485.1, NM_015125.5).
Identifiers: ClinVar variation 2649983 (VCV002649983.24), dbSNP rs2513848439, ClinGen allele CA507703699.

ClinVar aggregate classification (germline): Likely benign (1 of 4 stars; one submission).

gnomAD v4.1: 2 of 1,610,308 alleles (0.00012%); highest among the groups gnomAD compares: Non-Finnish European, 0.000085%; no homozygotes.

Submission:

CeGaT Center for Human Genetics Tuebingen
Classification: Likely benign. Last evaluated: 2023-09-01. Review status: criteria provided, single submitter. Criteria: CeGaT Center For Human Genetics Tuebingen Variant Classification Criteria Version 2. Collection method: clinical testing. Allele origin: germline. Affected: yes. Observed: 2 variant alleles.
Comment: CIC: PM2:Supporting, BP4, BP7